The following is an entry in ClinVar:

ClinVar aggregate classification (germline): Likely benign. Review status: reviewed by expert panel (3 of 4 stars). 7 submissions from 7 submitters: Likely benign (1). 6 of the submissions do not count toward it. Last evaluated 2023-08-02.

Conditions:
CDH1-related disorder. Also called: CDH1-related condition.
CDH1-related diffuse gastric and lobular breast cancer syndrome. Also called: CDH1-related diffuse gastric and lobular breast cancer. Identifiers: MedGen CN311521, MONDO:0100488.
Hereditary cancer-predisposing syndrome. Also called: Neoplastic Syndromes, Hereditary; Tumor predisposition; Hereditary neoplastic syndrome; Hereditary Cancer Syndrome. Identifiers: Orphanet 140162, MedGen C0027672, MeSH D009386, MONDO:0015356.
Hereditary diffuse gastric adenocarcinoma (HDGC). Also called: DIFFUSE GASTRIC AND LOBULAR BREAST CANCER SYNDROME. Identifiers: Orphanet 26106, MedGen C1708349, MONDO:0007648, OMIM 137215.

gnomAD v4.1: 12 of 1,614,206 alleles (0.00074%); highest among the groups gnomAD compares: Non-Finnish European, 0.001%; no homozygotes.

Submissions (7):

Clingen Gastric Cancer Variant Curation Expert Panel
Classification: Likely benign for CDH1-related diffuse gastric and lobular breast cancer syndrome. Last evaluated: 2023-08-02. Review status: reviewed by expert panel. Criteria: ClinGen CDH1 ACMG Specifications V3.1. Collection method: curation. Allele origin: germline. Inheritance: Autosomal dominant inheritance.
Comment: The c.300C>G variant (NM_004360.5) is a synonymous (silent) variant (p.Val100=) that is not predicted by SpliceAI, varSEAK, to impact splicing (BP4). Although this variant is absent in gnomAD v2.1.1 and v3.1 (PM2_Supporting), it has been observed in more than 10 heterozygous individuals with no DCG, SRC tumours, or LBC and whose families do not suggest HDGC (BS2; Ambry Genetics, Invitae, University of Washington). In summary, although there are both pathogenic and benign types of evidence for this variant, the CDH1 VCEP classified the variant as likely benign for DGLBCS based on BS2 alone. (CDH1 VCEP specifications version 3.1; 05/06/2022)

PreventionGenetics, part of Exact Sciences
Classification: Likely benign for CDH1-related condition. Last evaluated: 2026-09-23. Review status: criteria provided, single submitter. Criteria: ACMG Guidelines, 2015. Collection method: clinical testing. Allele origin: germline. Not counted in ClinVar's aggregate classification.
Comment: This variant is classified as likely benign based on ACMG/AMP sequence variant interpretation guidelines (Richards et al. 2015 PMID: 25741868, with internal and published modifications).

Labcorp Genetics (formerly Invitae), Labcorp
Classification: Likely benign for Hereditary diffuse gastric adenocarcinoma. Last evaluated: 2025-03-27. Review status: criteria provided, single submitter. Criteria: Invitae Variant Classification Sherloc (09022015). Collection method: clinical testing. Allele origin: germline. Not counted in ClinVar's aggregate classification.

Myriad Genetics, Inc.
Classification: Benign for Hereditary diffuse gastric adenocarcinoma. Last evaluated: 2023-03-06. Review status: criteria provided, single submitter. Criteria: Myriad Autosomal Dominant, Autosomal Recessive and X-Linked Classification Criteria (2023). Collection method: clinical testing. Allele origin: unknown. Not counted in ClinVar's aggregate classification.
Comment: This variant is considered benign. This variant is a silent/synonymous amino acid change and it is not expected to impact splicing.

Ambry Genetics
Classification: Likely benign for Hereditary cancer-predisposing syndrome. Last evaluated: 2019-05-28. Review status: criteria provided, single submitter. Criteria: Ambry Variant Classification Scheme 2023. Collection method: clinical testing. Allele origin: germline. Not counted in ClinVar's aggregate classification.

Color Diagnostics, LLC DBA Color Health
Classification: Likely benign for Hereditary cancer-predisposing syndrome. Last evaluated: 2017-04-24. Review status: criteria provided, single submitter. Criteria: ACMG Guidelines, 2015. Collection method: clinical testing. Allele origin: germline. Not counted in ClinVar's aggregate classification.

Counsyl
Classification: Likely benign for Hereditary diffuse gastric adenocarcinoma. Last evaluated: 2015-12-01. Review status: no assertion criteria provided. Collection method: clinical testing. Allele origin: unknown. Not counted in ClinVar's aggregate classification.

NM_004360.5(CDH1):c.300C>G (p.Val100=)

Gene: CDH1 (cadherin 1; plus strand). Cytogenetic location: 16q22.1.
Variant type: single nucleotide variant.
Coding change: c.300C>G on transcript NM_004360.5 (MANE Select); coding-DNA position 300, C replaced by G.
Protein change: p.Val100=; no amino-acid change (valine 100 retained).
Molecular consequence: synonymous variant. On other transcripts: 5 prime UTR variant (2).
Genome position (GRCh38, 1-based): chr16:68,801,806, C>G. VCF-style: chr16-68801806-C-G. GRCh37 (hg19) VCF-style: chr16-68835709-C-G.
Other names: NM_004360.5(CDH1):c.300C>G; p.Val100=; c.300C>G (LRG_301t1); c.300C>G, p.Val100= (NM_001317184.2); c.-1316C>G (NM_001317185.2); c.-1520C>G (NM_001317186.2).
Identifiers: ClinVar variation 184437 (VCV000184437.22), dbSNP rs786201463, ClinGen allele CA188969.